The following is an entry in ClinVar:

NM_014055.4(IFT81):c.1996A>T (p.Ile666Phe)

Gene: IFT81 (intraflagellar transport 81; plus strand). Cytogenetic location: 12q24.11.
Variant type: single nucleotide variant.
Coding change: c.1996A>T on transcript NM_014055.4 (MANE Select); coding-DNA position 1996, A replaced by T.
Protein change: p.Ile666Phe; replaces isoleucine 666 with phenylalanine.
Molecular consequence: missense variant. On other transcripts: non-coding transcript variant (4).
Genome position (GRCh38, 1-based): chr12:110,218,191, A>T. VCF-style: chr12-110218191-A-T. GRCh37 (hg19) VCF-style: chr12-110655996-A-T.
Other names: c.1066A>T, p.Ile356Phe (NM_001347948.2, NM_001347947.2); c.1996A>T, p.Ile666Phe (NM_001143779.2); short protein forms I356F, I666F.
Identifiers: ClinVar variation 3616638 (VCV003616638.2).

ClinVar aggregate classification (germline): Uncertain significance (1 of 4 stars; one submission).

gnomAD v4.1: 5 of 1,575,986 alleles (0.00032%); highest among the groups gnomAD compares: Non-Finnish European, 0.00043%; no homozygotes.

Submission:

Labcorp Genetics (formerly Invitae), Labcorp
Classification: Uncertain significance. Last evaluated: 2024-11-27. Review status: criteria provided, single submitter. Criteria: Invitae Variant Classification Sherloc (09022015). Collection method: clinical testing. Allele origin: germline.
Comment: This sequence change replaces isoleucine, which is neutral and non-polar, with phenylalanine, which is neutral and non-polar, at codon 666 of the IFT81 protein (p.Ile666Phe). This variant is not present in population databases (gnomAD no frequency). This variant has not been reported in the literature in individuals affected with IFT81-related conditions. An algorithm developed to predict the effect of missense changes on protein structure and function (PolyPhen-2) suggests that this variant is likely to be disruptive. Algorithms developed to predict the effect of sequence changes on RNA splicing suggest that this variant may create or strengthen a splice site. In summary, the available evidence is currently insufficient to determine the role of this variant in disease. Therefore, it has been classified as a Variant of Uncertain Significance.